The following is an entry in ClinVar:

ClinVar aggregate classification (germline): Likely pathogenic (1 of 4 stars; one submission).

Conditions:
Hereditary cancer-predisposing syndrome. Also called: Neoplastic Syndromes, Hereditary; Tumor predisposition; Hereditary Cancer Syndrome; Hereditary neoplastic syndrome. Identifiers: Orphanet 140162, MedGen C0027672, MeSH D009386, MONDO:0015356.

Submission:

Ambry Genetics
Classification: Likely pathogenic for Hereditary cancer-predisposing syndrome. Last evaluated: 2024-09-19. Review status: criteria provided, single submitter. Criteria: Ambry Variant Classification Scheme 2023. Collection method: clinical testing. Allele origin: germline.
Comment: The c.5091delA variant, located in coding exon 15 of the APC gene, results from a deletion of one nucleotide at nucleotide position 5091, causing a translational frameshift with a predicted alternate stop codon (p.D1698Mfs*11). This variant is considered to be rare based on population cohorts in the Genome Aggregation Database (gnomAD). This alteration is expected to result in loss of function by premature protein truncation or nonsense-mediated mRNA decay. As such, this alteration is interpreted as a disease-causing mutation.

NM_000038.6(APC):c.5091del (p.Asp1698fs)

Gene: APC (APC regulator of Wnt signaling pathway; plus strand). Cytogenetic location: 5q22.2.
Variant type: Deletion.
Coding change: c.5091del on transcript NM_000038.6 (MANE Select); coding-DNA position 5091, one base deleted (A; older notation c.5091delA).
Protein change: p.Asp1698fs; shifts the reading frame from aspartic acid 1698.
Molecular consequence: frameshift variant. On other transcripts: non-coding transcript variant (2).
Genome position (GRCh38, 1-based): chr5:112,840,685, A deleted. VCF-style (leftmost placement, unchanged base first): chr5-112840684-CA-C. GRCh37 (hg19) VCF-style: chr5-112176381-CA-C.
Other names: c.5091del, p.Asp1698fs (NM_001127510.3, NM_001354895.2, NM_001407450.1); c.5037del, p.Asp1680fs (NM_001127511.3); c.5145del, p.Asp1716fs (NM_001354896.2, NM_001407447.1, NM_001407448.1 and 1 more transcripts); c.5121del, p.Asp1708fs (NM_001354897.2); c.5016del, p.Asp1673fs (NM_001354898.2); c.5007del, p.Asp1670fs (NM_001354899.2); c.4968del, p.Asp1657fs (NM_001354900.2); c.4914del, p.Asp1639fs (NM_001354901.2, NM_001407453.1); and 11 more; short protein forms D1569fs, D1597fs, D1639fs, D1680fs, D1607fs, D1657fs, D1688fs, D1572fs.
Identifiers: ClinVar variation 3410870 (VCV003410870.1).